The following is an entry in ClinVar:

NM_182643.3(DLC1):c.3741G>A (p.Arg1247=)

Gene: DLC1 (DLC1 Rho GTPase activating protein; minus strand). Cytogenetic location: 8p22.
Variant type: single nucleotide variant.
Coding change: c.3741G>A on transcript NM_182643.3 (MANE Select); coding-DNA position 3741, G replaced by A.
Protein change: p.Arg1247=; no amino-acid change (arginine 1247 retained).
Molecular consequence: synonymous variant.
Genome position (GRCh38, 1-based): chr8:13,091,432, C>T on the plus strand (G>A on the coding strand, the complement: DLC1 is on the minus strand). VCF-style: chr8-13091432-C-T. GRCh37 (hg19) VCF-style: chr8-12948941-C-T.
Other names: c.2208G>A, p.Arg736= (NM_001164271.2, NM_001348082.2, NM_001348083.1 and 6 more transcripts); c.2532G>A, p.Arg844= (NM_001316668.2, NM_001413129.1); c.3741G>A, p.Arg1247= (NM_001348081.2, NM_001413124.1); c.2523G>A, p.Arg841= (NM_001413130.1); c.2181G>A, p.Arg727= (NM_001413131.1, NM_001413137.1); c.2667G>A, p.Arg889= (NM_001413132.1); c.2430G>A, p.Arg810= (NM_001413135.1, NM_001413136.1, NM_001413139.1 and 1 more transcripts); c.2565G>A, p.Arg855= (NM_001413140.1).
Identifiers: ClinVar variation 3032483 (VCV003032483.3), dbSNP rs149560610, ClinGen allele CA4638185.
Genomic context (GRCh38, chr8:13,091,432, plus strand): 5'-TAGGTTTTCATTCAAATCTTTCTGATCTGGTTTGCCCAAACTTTGTTTTCTTTGCATTAC[C>T]CTAGGTAGAAGAAATACAGGAGGGGAACAGTTCAAATATTTATATATTTTTCTTCAAGGT-3'
Protein context (NP_872584.2, residues 1237-1257): NTLKRENSSP[Arg1247=]VMQRKQSLGK

ClinVar aggregate classification (germline): Uncertain significance. Review status: criteria provided, single submitter (1 of 4 stars). 2 submissions from 2 submitters: Uncertain significance (1). 1 of the submissions does not count toward it. Last evaluated 2025-03-12.

Conditions:
DLC1-related disorder. Also called: DLC1-related condition.

Allele frequency attached by ClinVar (database versions not stated): gnomAD exomes 0.00004; ExAC 0.00012; gnomAD 0.00035; TOPMed 0.00036; ESP Exome Variant Server 0.00046; 1000 Genomes Project 0.00080; 1000 Genomes Project 30x 0.00109.
gnomAD v4.1: 107 of 1,613,030 alleles (0.0066%); highest among the groups gnomAD compares: African/African-American, 0.12%; no homozygotes.

Submissions (2):

Labcorp Genetics (formerly Invitae), Labcorp
Classification: Uncertain significance. Last evaluated: 2025-03-12. Review status: criteria provided, single submitter. Criteria: Invitae Variant Classification Sherloc (09022015). Collection method: clinical testing. Allele origin: germline.
Comment: This sequence change affects codon 1247 of the DLC1 mRNA. It is a 'silent' change, meaning that it does not change the encoded amino acid sequence of the DLC1 protein. It affects a nucleotide within the consensus splice site. This variant is present in population databases (rs149560610, gnomAD 0.1%), and has an allele count higher than expected for a pathogenic variant. This variant has not been reported in the literature in individuals affected with DLC1-related conditions. ClinVar contains an entry for this variant (Variation ID: 3032483). Algorithms developed to predict the effect of sequence changes on RNA splicing suggest that this variant is not likely to affect RNA splicing. In summary, the available evidence is currently insufficient to determine the role of this variant in disease. Therefore, it has been classified as a Variant of Uncertain Significance.

PreventionGenetics, part of Exact Sciences
Classification: Likely benign for DLC1-related condition. Last evaluated: 2022-02-15. Review status: no assertion criteria provided. Collection method: clinical testing. Allele origin: germline. Not counted in ClinVar's aggregate classification.
Comment: This variant is classified as likely benign based on ACMG/AMP sequence variant interpretation guidelines (Richards et al. 2015 PMID: 25741868, with internal and published modifications).